The following is an entry in ClinVar:

ClinVar aggregate classification (germline): Benign (0 of 4 stars; one submission).

Conditions:
MATN4-related disorder. Also called: MATN4-related condition.

Allele frequency attached by ClinVar (database versions not stated): 1000 Genomes Project 0.21865; 1000 Genomes Project 30x 0.22517; ExAC 0.22996; gnomAD exomes 0.24143; ESP Exome Variant Server 0.24965; gnomAD 0.25135; TOPMed 0.25585.
gnomAD v4.1: 390,721 of 1,613,578 alleles (24%); highest among the groups gnomAD compares: Admixed American, 33%; 49,094 homozygotes.

Submission:

PreventionGenetics, part of Exact Sciences
Classification: Benign for MATN4-related condition. Last evaluated: 2019-10-17. Review status: no assertion criteria provided. Collection method: clinical testing. Allele origin: germline.
Comment: This variant is classified as benign based on ACMG/AMP sequence variant interpretation guidelines (Richards et al. 2015 PMID: 25741868, with internal and published modifications).

NM_001393530.1(MATN4):c.1564G>A (p.Gly522Ser)

Gene: MATN4 (matrilin 4; minus strand). Cytogenetic location: 20q13.12.
Variant type: single nucleotide variant.
Coding change: c.1564G>A on transcript NM_001393530.1 (MANE Select); coding-DNA position 1564, G replaced by A.
Protein change: p.Gly522Ser; replaces glycine 522 with serine.
Molecular consequence: missense variant.
Genome position (GRCh38, 1-based): chr20:45,297,933, C>T on the plus strand (G>A on the coding strand, the complement: MATN4 is on the minus strand). VCF-style: chr20-45297933-C-T. GRCh37 (hg19) VCF-style: chr20-43926573-C-T.
Other names: c.1564G>A, p.Gly522Ser (NM_001393531.1, NM_003833.5); c.1441G>A, p.Gly481Ser (NM_030590.4); c.1318G>A, p.Gly440Ser (NM_030592.4); short protein forms G440S, G481S, G522S.
Identifiers: ClinVar variation 3060323 (VCV003060323.2), dbSNP rs2227275, ClinGen allele CA9875905.